The following is an entry in ClinVar:

ClinVar aggregate classification (germline): Pathogenic (1 of 4 stars; one submission).

Conditions:
Alstrom syndrome (ALMS). Identifiers: Orphanet 64, MedGen C0268425, MONDO:0008763, OMIM 203800.

Submission:

Labcorp Genetics (formerly Invitae), Labcorp
Classification: Pathogenic for Alstrom syndrome. Last evaluated: 2023-05-01. Review status: criteria provided, single submitter. Criteria: Invitae Variant Classification Sherloc (09022015). Collection method: clinical testing. Allele origin: germline.
Comment: For these reasons, this variant has been classified as Pathogenic. This variant has not been reported in the literature in individuals affected with ALMS1-related conditions. This variant is not present in population databases (gnomAD no frequency). This sequence change creates a premature translational stop signal (p.Ile507Metfs*17) in the ALMS1 gene. It is expected to result in an absent or disrupted protein product. Loss-of-function variants in ALMS1 are known to be pathogenic (PMID: 17594715).

Literature cited by the submitters: PubMed 17594715.

NM_001378454.1(ALMS1):c.1518del (p.Ile506fs)

Gene: ALMS1 (ALMS1 centrosome and basal body associated protein; plus strand). Cytogenetic location: 2p13.1.
Variant type: Deletion.
Coding change: c.1518del on transcript NM_001378454.1 (MANE Select); coding-DNA position 1518, one base deleted (T; older notation c.1518delT).
Protein change: p.Ile506fs; shifts the reading frame from isoleucine 506.
Molecular consequence: frameshift variant.
Genome position (GRCh38, 1-based): chr2:73,448,045, T deleted; the last of 2 consecutive T bases (chr2:73,448,044-73,448,045); deleting either gives the same sequence. VCF-style (leftmost placement, unchanged base first): chr2-73448043-AT-A. GRCh37 (hg19) VCF-style: chr2-73675173-AT-A.
Other names: c.1521del, p.Ile507fs (NM_015120.4); short protein forms I506fs, I507fs.
Identifiers: ClinVar variation 2861174 (VCV002861174.3), dbSNP rs2466091306, ClinGen allele CA2659618788.
Genomic context (GRCh38, chr2:73,448,043, plus strand): 5'-GCTAAAGTTACTCAATCCAACTTGAAGTCAGGCATCACTACCACTCCTGTTGATTCAGAC[AT>A]TGGATCTCATTTATCCTTGTCCCTTGAGGACCTGTCTCAGTTGGCTGTAAGTTCTCCTCT-3'